The following is an entry in ClinVar:

ClinVar aggregate classification (germline): Uncertain significance (1 of 4 stars; one submission).

Submission:

Labcorp Genetics (formerly Invitae), Labcorp
Classification: Uncertain significance. Last evaluated: 2021-09-20. Review status: criteria provided, single submitter. Criteria: Invitae Variant Classification Sherloc (09022015). Collection method: clinical testing. Allele origin: germline.
Comment: Algorithms developed to predict the effect of missense changes on protein structure and function (SIFT, PolyPhen-2, Align-GVGD) all suggest that this variant is likely to be tolerated. This variant has not been reported in the literature in individuals affected with NTRK2-related conditions. This variant is not present in population databases (ExAC no frequency). This sequence change replaces histidine with leucine at codon 108 of the NTRK2 protein (p.His108Leu). The histidine residue is moderately conserved and there is a moderate physicochemical difference between histidine and leucine. In summary, the available evidence is currently insufficient to determine the role of this variant in disease. Therefore, it has been classified as a Variant of Uncertain Significance.

NM_006180.6(NTRK2):c.323A>T (p.His108Leu)

Gene: NTRK2 (neurotrophic receptor tyrosine kinase 2; plus strand). Cytogenetic location: 9q21.33.
Variant type: single nucleotide variant.
Coding change: c.323A>T on transcript NM_006180.6 (MANE Select); coding-DNA position 323, A replaced by T.
Protein change: p.His108Leu; replaces histidine 108 with leucine.
Molecular consequence: missense variant. On other transcripts: 5 prime UTR variant (4).
Genome position (GRCh38, 1-based): chr9:84,702,383, A>T. VCF-style: chr9-84702383-A-T. GRCh37 (hg19) VCF-style: chr9-87317298-A-T.
Other names: c.323A>T, p.His108Leu (NM_001007097.3, NM_001018064.3, NM_001018065.2 and 18 more transcripts); c.-146A>T (NM_001369535.1, NM_001369536.1, NM_001369550.1 and 1 more transcripts); short protein forms H108L.
Identifiers: ClinVar variation 1483717 (VCV001483717.6), dbSNP rs1445492288, ClinGen allele CA374005254.